The following is an entry in ClinVar:

NM_024529.5(CDC73):c.161A>G (p.Tyr54Cys)

Gene: CDC73 (cell division cycle 73; plus strand). Cytogenetic location: 1q31.2.
Variant type: single nucleotide variant.
Coding change: c.161A>G on transcript NM_024529.5 (MANE Select); coding-DNA position 161, A replaced by G.
Protein change: p.Tyr54Cys; replaces tyrosine 54 with cysteine.
Molecular consequence: missense variant.
Genome position (GRCh38, 1-based): chr1:193,125,141, A>G. VCF-style: chr1-193125141-A-G. GRCh37 (hg19) VCF-style: chr1-193094271-A-G.
Other names: short protein forms Y54C.
Identifiers: ClinVar variation 3227864 (VCV003227864.1), dbSNP rs2527289367, ClinGen allele CA343973093.

ClinVar aggregate classification (germline): Uncertain significance (1 of 4 stars; one submission).

Conditions:
Hereditary cancer-predisposing syndrome. Also called: Neoplastic Syndromes, Hereditary; Tumor predisposition; Hereditary neoplastic syndrome; Hereditary Cancer Syndrome. Identifiers: Orphanet 140162, MedGen C0027672, MeSH D009386, MONDO:0015356.

Submission:

Ambry Genetics
Classification: Uncertain significance for Hereditary cancer-predisposing syndrome. Last evaluated: 2023-11-08. Review status: criteria provided, single submitter. Criteria: Ambry Variant Classification Scheme 2023. Collection method: clinical testing. Allele origin: germline.
Comment: The p.Y54C variant (also known as c.161A>G), located in coding exon 2 of the CDC73 gene, results from an A to G substitution at nucleotide position 161. The tyrosine at codon 54 is replaced by cysteine, an amino acid with highly dissimilar properties. This amino acid position is conserved. In addition, this alteration is predicted to be deleterious by in silico analysis. Since supporting evidence is limited at this time, the clinical significance of this alteration remains unclear.